The following is an entry in ClinVar:

NM_002010.3(FGF9):c.482G>A (p.Arg161Gln)

Gene: FGF9 (fibroblast growth factor 9; plus strand). Cytogenetic location: 13q12.11.
Variant type: single nucleotide variant.
Coding change: c.482G>A on transcript NM_002010.3 (MANE Select); coding-DNA position 482, G replaced by A.
Protein change: p.Arg161Gln; replaces arginine 161 with glutamine.
Molecular consequence: missense variant.
Genome position (GRCh38, 1-based): chr13:21,701,290, G>A. VCF-style: chr13-21701290-G-A. GRCh37 (hg19) VCF-style: chr13-22275429-G-A.
Other names: short protein forms R161Q.
Identifiers: ClinVar variation 3713971 (VCV003713971.3).

ClinVar aggregate classification (germline): Conflicting classifications of pathogenicity. Review status: criteria provided, conflicting classifications (1 of 4 stars). 2 submissions from 2 submitters: Uncertain significance (1); Likely benign (1). Last evaluated 2025-09-28.

gnomAD v4.1: 48 of 1,613,856 alleles (0.003%); highest among the groups gnomAD compares: Non-Finnish European, 0.004%; no homozygotes.

Submissions (2):

Labcorp Genetics (formerly Invitae), Labcorp
Classification: Uncertain significance. Last evaluated: 2025-09-28. Review status: criteria provided, single submitter. Criteria: Invitae Variant Classification Sherloc (09022015). Collection method: clinical testing. Allele origin: germline.
Comment: This sequence change replaces arginine, which is basic and polar, with glutamine, which is neutral and polar, at codon 161 of the FGF9 protein (p.Arg161Gln). This variant is present in population databases (rs146697820, gnomAD 0.004%). This variant has not been reported in the literature in individuals affected with FGF9-related conditions. ClinVar contains an entry for this variant (Variation ID: 3713971). An algorithm developed to predict the effect of missense changes on protein structure and function (PolyPhen-2) suggests that this variant is likely to be disruptive. In summary, the available evidence is currently insufficient to determine the role of this variant in disease. Therefore, it has been classified as a Variant of Uncertain Significance.

Blueprint Genetics
Classification: Likely benign. Last evaluated: 2023-01-19. Review status: criteria provided, single submitter. Criteria: ACMG Guidelines, 2015. Collection method: clinical testing. Allele origin: germline.